The following is an entry in ClinVar:

NM_001135651.3(EIF2AK2):c.1352C>T (p.Thr451Ile)

Gene: EIF2AK2 (eukaryotic translation initiation factor 2 alpha kinase 2; minus strand). Cytogenetic location: 2p22.2.
Variant type: single nucleotide variant.
Coding change: c.1352C>T on transcript NM_001135651.3 (MANE Select); coding-DNA position 1352, C replaced by T.
Protein change: p.Thr451Ile; replaces threonine 451 with isoleucine.
Molecular consequence: missense variant.
Genome position (GRCh38, 1-based): chr2:37,114,756, G>A on the plus strand (C>T on the coding strand, the complement: EIF2AK2 is on the minus strand). VCF-style: chr2-37114756-G-A. GRCh37 (hg19) VCF-style: chr2-37341899-G-A.
Other names: c.1229C>T, p.Thr410Ile (NM_001135652.3); c.1352C>T, p.Thr451Ile (NM_002759.4); short protein forms T410I, T451I.
Identifiers: ClinVar variation 3253395 (VCV003253395.2), dbSNP rs2466922230.

ClinVar aggregate classification (germline): Uncertain significance (1 of 4 stars; one submission).

Submission:

GeneDx
Classification: Uncertain significance. Last evaluated: 2026-05-26. Review status: criteria provided, single submitter. Criteria: GeneDx Variant Classification Process June 2021. Collection method: clinical testing. Allele origin: germline.
Comment: Has not been previously published as pathogenic or benign to our knowledge; Not observed at significant frequency in large population cohorts (gnomAD); In silico analysis supports that this missense variant has a deleterious effect on protein structure/function